The following is an entry in ClinVar:

ClinVar aggregate classification (germline): Likely benign (1 of 4 stars; one submission).

Submission:

CeGaT Center for Human Genetics Tuebingen
Classification: Likely benign. Last evaluated: 2026-09-01. Review status: criteria provided, single submitter. Criteria: CeGaT Center For Human Genetics Tuebingen Variant Classification Criteria Version 2. Collection method: clinical testing. Allele origin: germline. Affected: yes. Observed: 1 variant allele.
Comment: TECR: PM2:Supporting, BP4, BP7

NM_138501.6(TECR):c.67-25G>T

Gene: TECR (trans-2,3-enoyl-CoA reductase; plus strand). Cytogenetic location: 19p13.12.
Variant type: single nucleotide variant.
Coding change: c.67-25G>T on transcript NM_138501.6 (MANE Select); 25 bases into the intron before coding-DNA position 67, G replaced by T.
Molecular consequence: intron variant. On other transcripts: non-coding transcript variant (2).
Genome position (GRCh38, 1-based): chr19:14,563,181, G>T. VCF-style: chr19-14563181-G-T. GRCh37 (hg19) VCF-style: chr19-14673993-G-T.
Other names: c.112-25G>T (NM_001321170.1).
Identifiers: ClinVar variation 5041681 (VCV005041681.1).
Genomic context (GRCh38, chr19:14,563,181, plus strand): 5'-CAGCCTGCCATCCCCTTTAGTACCTCCCCATCCTGAGTCTGGGCTCCCCGCAGAGCTGAC[G>T]TCCCTGCGCCTGTGCTTCCCCCAGGTGGAGCCCCACGCCACCATTGCGGAGATCAAGAAC-3'